The following is an entry in ClinVar:

ClinVar aggregate classification (germline): Uncertain significance (1 of 4 stars; one submission).

Submission:

Labcorp Genetics (formerly Invitae), Labcorp
Classification: Uncertain significance. Last evaluated: 2023-04-11. Review status: criteria provided, single submitter. Criteria: Invitae Variant Classification Sherloc (09022015). Collection method: clinical testing. Allele origin: germline.
Comment: In summary, the available evidence is currently insufficient to determine the role of this variant in disease. Therefore, it has been classified as a Variant of Uncertain Significance. An algorithm developed to predict the effect of missense changes on protein structure and function (PolyPhen-2) suggests that this variant is likely to be disruptive. This variant has not been reported in the literature in individuals affected with LAMA3-related conditions. This variant is not present in population databases (gnomAD no frequency). This sequence change replaces threonine, which is neutral and polar, with isoleucine, which is neutral and non-polar, at codon 101 of the LAMA3 protein (p.Thr101Ile).

NM_198129.4(LAMA3):c.5129C>T (p.Thr1710Ile)

Gene: LAMA3 (laminin subunit alpha 3; plus strand). Cytogenetic location: 18q11.2.
Variant type: single nucleotide variant.
Coding change: c.5129C>T on transcript NM_198129.4 (MANE Select); coding-DNA position 5129, C replaced by T.
Protein change: p.Thr1710Ile; replaces threonine 1710 with isoleucine.
Molecular consequence: missense variant.
Genome position (GRCh38, 1-based): chr18:23,881,952, C>T. VCF-style: chr18-23881952-C-T. GRCh37 (hg19) VCF-style: chr18-21461916-C-T.
Other names: c.302C>T, p.Thr101Ile (NM_000227.6, NM_001127718.4); c.5129C>T, p.Thr1710Ile (NM_001127717.4); short protein forms T1710I, T101I.
Identifiers: ClinVar variation 2847888 (VCV002847888.3), dbSNP rs2511271576, ClinGen allele CA402045200.